The following is an entry in ClinVar:

NM_001040105.2(MUC17):c.13414T>C (p.Leu4472=)

Gene: MUC17 (mucin 17, cell surface associated; plus strand). Cytogenetic location: 7q22.1.
Variant type: single nucleotide variant.
Coding change: c.13414T>C on transcript NM_001040105.2 (MANE Select); coding-DNA position 13414, T replaced by C.
Protein change: p.Leu4472=; no amino-acid change (leucine 4472 retained).
Molecular consequence: synonymous variant. On other transcripts: non-coding transcript variant (1).
Genome position (GRCh38, 1-based): chr7:101,056,244, T>C. VCF-style: chr7-101056244-T-C. GRCh37 (hg19) VCF-style: chr7-100699525-T-C.
Identifiers: ClinVar variation 2657852 (VCV002657852.24), dbSNP rs147613804, ClinGen allele CA4404931.

ClinVar aggregate classification (germline): Likely benign (1 of 4 stars; one submission).

Allele frequency attached by ClinVar (database versions not stated): 1000 Genomes Project 30x 0.00422; 1000 Genomes Project 0.00459; ESP Exome Variant Server 0.00461; TOPMed 0.00461; gnomAD 0.00491; ExAC 0.00619.
gnomAD v4.1: 10,034 of 1,613,950 alleles (0.62%); highest among the groups gnomAD compares: Middle Eastern, 1.1%; 39 homozygotes.

Submission:

CeGaT Center for Human Genetics Tuebingen
Classification: Likely benign. Last evaluated: 2022-10-01. Review status: criteria provided, single submitter. Criteria: CeGaT Center For Human Genetics Tuebingen Variant Classification Criteria Version 2. Collection method: clinical testing. Allele origin: germline. Affected: yes. Observed: 1 variant allele.
Comment: MUC17: BP4, BP7, BS2